The following is an entry in ClinVar:

ClinVar aggregate classification (germline): Uncertain significance (1 of 4 stars; one submission).

Conditions:
Rhabdoid tumor predisposition syndrome 2 (RTPS2). Identifiers: Orphanet 231108, Orphanet 69077, MedGen C2750074, MONDO:0013224, OMIM 613325.

Submission:

Labcorp Genetics (formerly Invitae), Labcorp
Classification: Uncertain significance for Rhabdoid tumor predisposition syndrome 2. Last evaluated: 2021-12-30. Review status: criteria provided, single submitter. Criteria: Invitae Variant Classification Sherloc (09022015). Collection method: clinical testing. Allele origin: germline.
Comment: This sequence change replaces lysine, which is basic and polar, with asparagine, which is neutral and polar, at codon 496 of the SMARCA4 protein (p.Lys496Asn). This variant is not present in population databases (gnomAD no frequency). This variant has not been reported in the literature in individuals affected with SMARCA4-related conditions. Algorithms developed to predict the effect of missense changes on protein structure and function (SIFT, PolyPhen-2, Align-GVGD) all suggest that this variant is likely to be disruptive. In summary, the available evidence is currently insufficient to determine the role of this variant in disease. Therefore, it has been classified as a Variant of Uncertain Significance.

NM_003072.5(SMARCA4):c.1488A>T (p.Lys496Asn)

Gene: SMARCA4 (SWI/SNF related BAF chromatin remodeling complex subunit ATPase 4; plus strand). Cytogenetic location: 19p13.2.
Variant type: single nucleotide variant.
Coding change: c.1488A>T on transcript NM_003072.5 (MANE Select); coding-DNA position 1488, A replaced by T.
Protein change: p.Lys496Asn; replaces lysine 496 with asparagine.
Molecular consequence: missense variant. On other transcripts: non-coding transcript variant (1).
Genome position (GRCh38, 1-based): chr19:10,994,896, A>T. VCF-style: chr19-10994896-A-T. GRCh37 (hg19) VCF-style: chr19-11105572-A-T.
Other names: c.1488A>T, p.Lys496Asn (NM_001411150.1, NM_001128844.3, NM_001128845.2 and 6 more transcripts); short protein forms K496N.
Identifiers: ClinVar variation 2061706 (VCV002061706.4), dbSNP rs2514250536, ClinGen allele CA404062097.